The following is an entry in ClinVar:

ClinVar aggregate classification (germline): Uncertain significance. Review status: criteria provided, multiple submitters, no conflicts (2 of 4 stars). 2 submissions from 2 submitters: Uncertain significance (2). Last evaluated 2025-10-01.

Conditions:
Inborn genetic diseases. Identifiers: MedGen C0950123, MeSH D030342.

Allele frequency attached by ClinVar (database versions not stated): gnomAD 0.00001; gnomAD exomes 0.00001; TOPMed 0.00001; ExAC 0.00005.
gnomAD v4.1: 17 of 1,545,946 alleles (0.0011%); highest among the groups gnomAD compares: South Asian, 0.012%; no homozygotes.

Submissions (2):

Labcorp Genetics (formerly Invitae), Labcorp
Classification: Uncertain significance. Last evaluated: 2025-10-01. Review status: criteria provided, single submitter. Criteria: Invitae Variant Classification Sherloc (09022015). Collection method: clinical testing. Allele origin: germline.
Comment: This sequence change replaces alanine, which is neutral and non-polar, with threonine, which is neutral and polar, at codon 504 of the GSN protein (p.Ala504Thr). The frequency data for this variant in the population databases is considered unreliable, as metrics indicate poor data quality at this position in the gnomAD database. This variant has not been reported in the literature in individuals affected with GSN-related conditions. ClinVar contains an entry for this variant (Variation ID: 2167911). Invitae Evidence Modeling of protein sequence and biophysical properties (such as structural, functional, and spatial information, amino acid conservation, physicochemical variation, residue mobility, and thermodynamic stability) indicates that this missense variant is not expected to disrupt GSN protein function with a negative predictive value of 80%. In summary, the available evidence is currently insufficient to determine the role of this variant in disease. Therefore, it has been classified as a Variant of Uncertain Significance.

Ambry Genetics
Classification: Uncertain significance for Inborn genetic diseases. Last evaluated: 2022-12-14. Review status: criteria provided, single submitter. Criteria: Ambry Variant Classification Scheme 2023. Collection method: clinical testing. Allele origin: germline.

NM_198252.3(GSN):c.1357G>A (p.Ala453Thr)

Gene: GSN (gelsolin; plus strand). Cytogenetic location: 9q33.2.
Variant type: single nucleotide variant.
Coding change: c.1357G>A on transcript NM_198252.3 (MANE Select); coding-DNA position 1357, G replaced by A.
Protein change: p.Ala453Thr; replaces alanine 453 with threonine.
Molecular consequence: missense variant.
Genome position (GRCh38, 1-based): chr9:121,324,585, G>A. VCF-style: chr9-121324585-G-A. GRCh37 (hg19) VCF-style: chr9-124086863-G-A.
Other names: c.1510G>A, p.Ala504Thr (NM_000177.5); c.1357G>A, p.Ala453Thr (NM_001127662.2, NM_001127664.2, NM_001127665.2 and 10 more transcripts); c.1465G>A, p.Ala489Thr (NM_001127663.2); c.1390G>A, p.Ala464Thr (NM_001127666.2, NM_001127667.2, NM_001353063.2 and 13 more transcripts); c.1408G>A, p.Ala470Thr (NM_001258029.2); c.1381G>A, p.Ala461Thr (NM_001258030.2); c.1429G>A, p.Ala477Thr (NM_001353076.2); c.703G>A, p.Ala235Thr (NM_001353078.2); and 1 more; short protein forms A235T, A453T, A461T, A477T, A489T, A504T, A464T, A470T.
Identifiers: ClinVar variation 2167911 (VCV002167911.5), dbSNP rs760189867, ClinGen allele CA5221225.
Genomic context (GRCh38, chr9:121,324,585, plus strand): 5'-CTGATGCTGAATCTCACTTCCCCTTCCAGGCAGGGTGCCCAGTCTACCCAGGATGAGGTC[G>A]CTGCATCTGCCATCCTGACTGCTCAGCTGGATGAGGAGCTGGGAGGTACCCCTGTCCAGG-3'
Protein context (NP_937895.1, residues 443-463): QGAQSTQDEV[Ala453Thr]ASAILTAQLD